The following is an entry in ClinVar:

ClinVar aggregate classification (germline): Pathogenic (1 of 4 stars; one submission).

Conditions:
Osteogenesis imperfecta type I (OI1). Also called: Lobstein disease; Classic Non-deforming Osteogenesis Imperfecta with Blue Sclerae; OI, TYPE I; OSTEOGENESIS IMPERFECTA TARDA; OSTEOGENESIS IMPERFECTA WITH BLUE SCLERAE; Osteogenesis imperfecta type 1. Identifiers: Orphanet 216796, Orphanet 666, MedGen C0023931, MONDO:0008146, OMIM 166200. Disease mechanism: loss of function.

Submission:

Labcorp Genetics (formerly Invitae), Labcorp
Classification: Pathogenic for Osteogenesis imperfecta type I. Last evaluated: 2025-05-03. Review status: criteria provided, single submitter. Criteria: Invitae Variant Classification Sherloc (09022015). Collection method: clinical testing. Allele origin: germline.
Comment: This sequence change creates a premature translational stop signal (p.Pro427Leufs*114) in the COL1A1 gene. It is expected to result in an absent or disrupted protein product. Loss-of-function variants in COL1A1 are known to be pathogenic (PMID: 7942841, 9295084, 9443882). This variant is not present in population databases (gnomAD no frequency). This variant has not been reported in the literature in individuals affected with COL1A1-related conditions. For these reasons, this variant has been classified as Pathogenic.

Literature cited by the submitters: PubMed 7942841; PubMed 9295084; PubMed 9443882.

NM_000088.4(COL1A1):c.1280del (p.Pro427fs)

Gene: COL1A1 (collagen type I alpha 1 chain; minus strand). Cytogenetic location: 17q21.33.
Variant type: Deletion.
Coding change: c.1280del on transcript NM_000088.4 (MANE Select); coding-DNA position 1280, one base deleted (C; older notation c.1280delC).
Protein change: p.Pro427fs; shifts the reading frame from proline 427.
Molecular consequence: frameshift variant.
Genome position (GRCh38, 1-based): chr17:50,195,251, G deleted on the plus strand (C on the coding strand, the reverse complement: COL1A1 is on the minus strand); the first of 2 consecutive G bases (chr17:50,195,251-50,195,252); deleting either gives the same sequence. VCF-style (leftmost placement, unchanged base first): chr17-50195250-AG-A. GRCh37 (hg19) VCF-style: chr17-48272611-AG-A.
Other names: short protein forms P427fs.
Identifiers: ClinVar variation 4718853 (VCV004718853.1).